The following is an entry in ClinVar:

ClinVar aggregate classification (germline): Uncertain significance (1 of 4 stars; one submission).

Conditions:
Melnick-Needles syndrome (MNS). Also called: MELNICK-NEEDLES OSTEODYSPLASTY; OSTEODYSPLASTY OF MELNICK AND NEEDLES; Melnick-Needles Syndrome (FLNA-MNS). Identifiers: Orphanet 2484, MedGen C0025237, MONDO:0010650, OMIM 309350.
Heterotopia, periventricular, X-linked dominant (PVNH1). Also called: PERIVENTRICULAR NODULAR HETEROTOPIA 1; X-linked periventricular heterotopia; HETEROTOPIA, PERIVENTRICULAR, 1; PERIVENTRICULAR NODULAR HETEROTOPIA 4. Identifiers: Orphanet 2149, Orphanet 82004, MedGen C1848213, MONDO:0010233, OMIM 300049.
Oto-palato-digital syndrome, type II (OPD2). Also called: OPD II SYNDROME; Otopalatodigital Syndrome, Type II; FACIOPALATOOSSEOUS SYNDROME; Otopalatodigital Syndrome Type 2 (FLNA-OPD2). Identifiers: Orphanet 669, Orphanet 90652, MedGen C1844696, MONDO:0010571, OMIM 304120.
Frontometaphyseal dysplasia (FMD1). Identifiers: Orphanet 1826, MedGen C0265293, MONDO:0015942.

Submission:

Labcorp Genetics (formerly Invitae), Labcorp
Classification: Uncertain significance for Oto-palato-digital syndrome, type II; Heterotopia, periventricular, X-linked dominant; Frontometaphyseal dysplasia; Melnick-Needles syndrome. Last evaluated: 2022-10-19. Review status: criteria provided, single submitter. Criteria: Invitae Variant Classification Sherloc (09022015). Collection method: clinical testing. Allele origin: germline.
Comment: In summary, the available evidence is currently insufficient to determine the role of this variant in disease. Therefore, it has been classified as a Variant of Uncertain Significance. Algorithms developed to predict the effect of missense changes on protein structure and function (SIFT, PolyPhen-2, Align-GVGD) all suggest that this variant is likely to be disruptive. This variant has not been reported in the literature in individuals affected with FLNA-related conditions. This variant is not present in population databases (gnomAD no frequency). This sequence change replaces aspartic acid, which is acidic and polar, with glycine, which is neutral and non-polar, at codon 1314 of the FLNA protein (p.Asp1314Gly).

NM_001110556.2(FLNA):c.3941A>G (p.Asp1314Gly)

Gene: FLNA (filamin A; minus strand). Cytogenetic location: Xq28.
Variant type: single nucleotide variant.
Coding change: c.3941A>G on transcript NM_001110556.2 (MANE Select); coding-DNA position 3941, A replaced by G.
Protein change: p.Asp1314Gly; replaces aspartic acid 1314 with glycine.
Molecular consequence: missense variant.
Genome position (GRCh38, 1-based): chrX:154,359,770, T>C on the plus strand (A>G on the coding strand, the complement: FLNA is on the minus strand). VCF-style: chrX-154359770-T-C. GRCh37 (hg19) VCF-style: chrX-153588138-T-C.
Other names: c.3941A>G, p.Asp1314Gly (NM_001456.4); short protein forms D1314G.
Identifiers: ClinVar variation 1721830 (VCV001721830.6), dbSNP rs2522739515, ClinGen allele CA415221573.